The following is an entry in ClinVar:

ClinVar aggregate classification (germline): Conflicting classifications of pathogenicity. Review status: criteria provided, conflicting classifications (1 of 4 stars). 3 submissions from 3 submitters: Likely pathogenic (1); Uncertain significance (1). 1 of the submissions does not count toward it. Last evaluated 2024-10-28.

Conditions:
Argininosuccinate lyase deficiency. Also called: Argininosuccinic aciduria; ARGININOSUCCINIC ACID LYASE DEFICIENCY; ASL DEFICIENCY. Identifiers: Orphanet 23, MedGen C0268547, MONDO:0008815, OMIM 207900, HP:0025630.

Allele frequency attached by ClinVar (database versions not stated): TOPMed below 0.00001; gnomAD 0.00001; gnomAD exomes 0.00001.
gnomAD v4.1: 6 of 1,613,834 alleles (0.00037%); highest among the groups gnomAD compares: Admixed American, 0.0017%; no homozygotes.

Submissions (3):

Labcorp Genetics (formerly Invitae), Labcorp
Classification: Uncertain significance for Argininosuccinate lyase deficiency. Last evaluated: 2024-10-28. Review status: criteria provided, single submitter. Criteria: Invitae Variant Classification Sherloc (09022015). Collection method: clinical testing. Allele origin: germline.
Comment: This sequence change replaces glycine, which is neutral and non-polar, with glutamic acid, which is acidic and polar, at codon 280 of the ASL protein (p.Gly280Glu). This variant is not present in population databases (gnomAD no frequency). This missense change has been observed in individual(s) with a positive newborn screening result for ASL-related disease (internal data). ClinVar contains an entry for this variant (Variation ID: 427091). Invitae Evidence Modeling of protein sequence and biophysical properties (such as structural, functional, and spatial information, amino acid conservation, physicochemical variation, residue mobility, and thermodynamic stability) indicates that this missense variant is expected to disrupt ASL protein function with a positive predictive value of 95%. In summary, the available evidence is currently insufficient to determine the role of this variant in disease. Therefore, it has been classified as a Variant of Uncertain Significance.

GeneDx
Classification: Likely pathogenic. Last evaluated: 2015-06-16. Review status: criteria provided, single submitter. Criteria: GeneDx Variant Classification (06012015). Collection method: clinical testing. Allele origin: germline. Affected: yes.
Comment: The G280E variant has not been published as a pathogenic variant, nor has it been reported as a benign variant to our knowledge. The G280E variant is a non-conservative amino acid substitution, which is likely to impact secondary protein structure as these residues differ in polarity, charge, size and/or other properties. This substitution occurs at a position that is conserved across species. In silico analysis predicts this variant is probably damaging to the protein structure/function, and a missense variant in a nearby residue (Q286R) has been reported in the Human Gene Mutation Database in association with argininosuccinic aciduria (Stenson et al., 2014), supporting the functional importance of this region of the protein. Therefore, the G280E variant is a strong candidate for a pathogenic variant, however the possibility that it is a benign variant cannot be excluded.

Counsyl
Classification: Uncertain significance for Argininosuccinate lyase deficiency. Last evaluated: 2017-09-01. Review status: no assertion criteria provided. Collection method: clinical testing. Allele origin: unknown. Not counted in ClinVar's aggregate classification.

NM_000048.4(ASL):c.839G>A (p.Gly280Glu)

Gene: ASL (argininosuccinate lyase; plus strand). Cytogenetic location: 7q11.21.
Variant type: single nucleotide variant.
Coding change: c.839G>A on transcript NM_000048.4 (MANE Select); coding-DNA position 839, G replaced by A.
Protein change: p.Gly280Glu; replaces glycine 280 with glutamic acid.
Molecular consequence: missense variant.
Genome position (GRCh38, 1-based): chr7:66,089,096, G>A. VCF-style: chr7-66089096-G-A. GRCh37 (hg19) VCF-style: chr7-65554083-G-A.
Other names: c.839G>A, p.Gly280Glu (NM_001024943.2, NM_001024944.2); c.761G>A, p.Gly254Glu (NM_001024946.2); short protein forms G280E, G254E.
Identifiers: ClinVar variation 427091 (VCV000427091.10), dbSNP rs1085307952, ClinGen allele CA367645418.